The following is an entry in ClinVar:

NM_001220.5(CAMK2B):c.1585del (p.Leu529fs)

Gene: CAMK2B (calcium/calmodulin dependent protein kinase II beta; minus strand). Cytogenetic location: 7p13.
Variant type: Deletion.
Coding change: c.1585del on transcript NM_001220.5 (MANE Select); coding-DNA position 1585, one base deleted (C; older notation c.1585delC).
Protein change: p.Leu529fs; shifts the reading frame from leucine 529.
Molecular consequence: frameshift variant. On other transcripts: intron variant (8).
Genome position (GRCh38, 1-based): chr7:44,226,528, G deleted on the plus strand (C on the coding strand, the reverse complement: CAMK2B is on the minus strand); the first of 5 consecutive G bases (chr7:44,226,528-44,226,532); deleting any one gives the same sequence. VCF-style (leftmost placement, unchanged base first): chr7-44226527-AG-A. GRCh37 (hg19) VCF-style: chr7-44266126-AG-A.
Other names: c.947-5627del (NM_172084.3); c.1150+4478del (NM_172080.3); c.1036+4478del (NM_172083.3); c.1108+4478del (NM_172081.3); c.1153+4478del (NM_172079.3, NM_172082.3); c.1225+4478del (NM_001293170.2, NM_172078.3); short protein forms L529fs.
Identifiers: ClinVar variation 3773915 (VCV003773915.1).

ClinVar aggregate classification (germline): Uncertain significance (1 of 4 stars; one submission).

Submission:

GeneDx
Classification: Uncertain significance. Last evaluated: 2024-09-24. Review status: criteria provided, single submitter. Criteria: GeneDx Variant Classification Process June 2021. Collection method: clinical testing. Allele origin: germline. Affected: yes.
Comment: Not observed at significant frequency in large population cohorts (gnomAD); Frameshift variant predicted to result in protein truncation or nonsense mediated decay in a gene or region of a gene for which loss of function is not a well-established mechanism of disease; Has not been previously published as pathogenic or benign to our knowledge